The following is an entry in ClinVar:

NM_000540.3(RYR1):c.8310+1G>T

Gene: RYR1 (ryanodine receptor 1; plus strand). Cytogenetic location: 19q13.2.
Variant type: single nucleotide variant.
Coding change: c.8310+1G>T on transcript NM_000540.3 (MANE Select); the canonical splice donor site of the intron after coding-DNA position 8310, G replaced by T.
Molecular consequence: splice donor variant.
Genome position (GRCh38, 1-based): chr19:38,505,082, G>T. VCF-style: chr19-38505082-G-T. GRCh37 (hg19) VCF-style: chr19-38995722-G-T.
Other names: c.8310+1G>T (NM_001042723.2).
Identifiers: ClinVar variation 1253809 (VCV001253809.9), dbSNP rs1970380121, ClinGen allele CA405677313.

ClinVar aggregate classification (germline): Pathogenic. Review status: reviewed by expert panel (3 of 4 stars). 5 submissions from 5 submitters: Pathogenic (1). 4 of the submissions do not count toward it. Last evaluated 2024-08-07.

Conditions:
Central core myopathy (CMYO1A). Also called: CONGENITAL MYOPATHY 1A, AUTOSOMAL DOMINANT, WITH SUSCEPTIBILITY TO MALIGNANT HYPERTHERMIA; Central core disease; Myopathy, central fibrillar. Identifiers: Orphanet 597, MedGen C5830701, MONDO:0007294, OMIM 117000.
Malignant hyperthermia, susceptibility to, 1 (MHS1). Also called: Malignant hyperthermia suceptibility 1; Anesthesia related hyperthermia; Malignant hyperpyrexia; Fulminating hyperpyrexia; Pharmacogenic myopathy; RYR1-Related Malignant Hyperthermia Susceptibility. Identifiers: Orphanet 423, MedGen C2930980, MONDO:0007783, OMIM 145600.
RYR1-related myopathy. Identifiers: Orphanet 98742, MedGen CN305348, MONDO:0100150.
RYR1-related disorder. Also called: RYR1-related condition; RYR1-related disorders. Identifiers: MedGen CN239331.

Allele frequency attached by ClinVar (database versions not stated): gnomAD exomes below 0.00001; TOPMed below 0.00001; gnomAD 0.00001.
gnomAD v4.1: 3 of 1,613,876 alleles (0.00019%); highest among the groups gnomAD compares: African/African-American, 0.0013%; no homozygotes.

Submissions (5):

ClinGen Congenital Myopathies Variant Curation Expert Panel, ClinGen
Classification: Pathogenic for RYR1-related myopathy. Last evaluated: 2024-08-07. Review status: reviewed by expert panel. Criteria: ClinGen CongenMyopathy ACMG Specifications RYR1 AR V1.0.0. Collection method: curation. Allele origin: germline. Inheritance: Autosomal recessive inheritance.
Comment: The c.8310+1G>T (NM_000540.3(RYR1):c.8310+1G>T) variant in RYR1 occurs within the canonical splice donor site (+1) of intron 52. It is predicted to cause skipping of biologically-relevant exon 52, resulting in a frameshift leading to nonsense mediated decay in a gene in which loss-of-function is an established disease mechanism (PVS1). The highest population minor allele frequency in gnomAD v4.1 is 0.00001336 (1/74870 alleles) in the African/African American population (PM2_Supporting, BS1, and BA1 are not met). This variant has been detected in at least 2 individuals with autosomal recessive RYR1-related myopathy. For both of those individuals, they were compound heterozygous for the variant and a pathogenic/likely pathogenic variant and both of those were confirmed in trans by parental testing (PM3_strong; SCV002012482; GeneDx and HudsonAlpha Institute for Biotechnology Internal Data; PMID: 34930662). At least one patient with this variant displayed neonatal hypotonia, and reduced mobility of facial muscles and extremities, which is highly specific for autosomal recessive RYR1-related myopathies (PP4; SCV002012482; GeneDx and HudsonAlpha Institute for Biotechnology Internal Data; PMID: 34930662). In summary, this variant meets the criteria to be classified as pathogenic for autosomal recessive RYR1-related myopathies based on the ACMG/AMP criteria applied, as specified by the ClinGen Congenital Myopathies VCEP: PVS1, PM3_Strong, PP4 (Congenital Myopathies VCEP specifications Version 1; 8/7/2024).

GeneDx
Classification: Pathogenic. Last evaluated: 2025-01-07. Review status: criteria provided, single submitter. Criteria: GeneDx Variant Classification Process June 2021. Collection method: clinical testing. Allele origin: germline. Affected: yes. Not counted in ClinVar's aggregate classification.
Comment: Identified in an individual with adult onset progressive periscapular weakness in published literature who also harbored other RYR1 variants, although it is not known what combination of these variants were in cis or trans (PMID: 29382405); Canonical splice site variant predicted to result in a null allele in a gene for which loss of function is a known mechanism of disease; Not observed at significant frequency in large population cohorts (gnomAD); This variant is associated with the following publications: (PMID: 29382405)

Labcorp Genetics (formerly Invitae), Labcorp
Classification: Likely pathogenic for RYR1-related disorder. Last evaluated: 2023-11-14. Review status: criteria provided, single submitter. Criteria: Invitae Variant Classification Sherloc (09022015). Collection method: clinical testing. Allele origin: germline. Not counted in ClinVar's aggregate classification.
Comment: This sequence change affects a donor splice site in intron 52 of the RYR1 gene. It is expected to disrupt RNA splicing. Variants that disrupt the donor or acceptor splice site typically lead to a loss of protein function (PMID: 16199547), and loss-of-function variants in RYR1 are known to be pathogenic (PMID: 23919265, 25960145, 28818389, 30611313). This variant is not present in population databases (gnomAD no frequency). Disruption of this splice site has been observed in individual(s) with RYR1-related conditions (PMID: 29382405). ClinVar contains an entry for this variant (Variation ID: 1253809). Algorithms developed to predict the effect of sequence changes on RNA splicing suggest that this variant may disrupt the consensus splice site. In summary, the currently available evidence indicates that the variant is pathogenic, but additional data are needed to prove that conclusively. Therefore, this variant has been classified as Likely Pathogenic.

HudsonAlpha Institute for Biotechnology
Classification: Pathogenic for Central core myopathy. Last evaluated: 2021-10-13. Review status: criteria provided, single submitter. Criteria: ACMG Guidelines, 2015. Collection method: research. Allele origin: maternal. Affected: yes. Observed: 1 compound heterozygote. Study: CSER-SouthSeq. Not counted in ClinVar's aggregate classification.
Comment: ACMG codes: PVS1; PM2; PM3

All of Us Research Program, National Institutes of Health
Classification: Uncertain significance for Malignant hyperthermia, susceptibility to, 1. Last evaluated: 2024-02-05. Review status: flagged submission. Criteria: ACMG Guidelines, 2015. Collection method: clinical testing. Allele origin: germline. Inheritance: Autosomal dominant inheritance. Observed: 2 variant alleles, 2 heterozygotes. Not counted in ClinVar's aggregate classification.
Comment: This variant causes a G to T nucleotide substitution at the +1 position of intron 52 of the RYR1 gene. Splice site prediction tools predict that this variant may have a significant impact on RNA splicing. Although this prediction has not been confirmed in published RNA studies, this variant is expected to result in an absent or disrupted protein product. To our knowledge, functional studies have not been reported for this variant. Loss of RYR1 function due to truncation variants is not an established disease mechanism for autosomal dominant malignant hyperthermia, although it is associated with other phenotype(s) (ClinVar Variation ID: 1253809). This variant has not been identified in the general population by the Genome Aggregation Database (gnomAD). Due to insufficient evidence, this variant is classified as a Variant of Uncertain Significance for autosomal dominant malignant hyperthermia.

This study involves interpretation of variants in research participants for the purpose of population health screening. Participant phenotype was not available at the time of variant classification. Additional details can be found in publication PMID: 35346344, PMCID: PMC8962531
ClinVar note: Reason: Conflicts with expert reviewed submission without evidence to support different classification

Literature cited by the submitters: PubMed 16199547 (cited by Labcorp Genetics (formerly Invitae), Labcorp); PubMed 23919265 (cited by Labcorp Genetics (formerly Invitae), Labcorp); PubMed 25960145 (cited by Labcorp Genetics (formerly Invitae), Labcorp); PubMed 28818389 (cited by Labcorp Genetics (formerly Invitae), Labcorp); PubMed 30611313 (cited by Labcorp Genetics (formerly Invitae), Labcorp); PubMed 29382405 (cited by Labcorp Genetics (formerly Invitae), Labcorp).